The following is an entry in ClinVar:

ClinVar aggregate classification (germline): Likely benign (1 of 4 stars; one submission).

Allele frequency attached by ClinVar (database versions not stated): gnomAD exomes 0.00004; ExAC 0.00005; TOPMed 0.00011; gnomAD 0.00014; 1000 Genomes Project 30x 0.00016; 1000 Genomes Project 0.00020.
gnomAD v4.1: 87 of 1,612,314 alleles (0.0054%); highest among the groups gnomAD compares: Middle Eastern, 0.13%; no homozygotes.

Submission:

CeGaT Center for Human Genetics Tuebingen
Classification: Likely benign. Last evaluated: 2022-07-01. Review status: criteria provided, single submitter. Criteria: CeGaT Center For Human Genetics Tuebingen Variant Classification Criteria Version 2. Collection method: clinical testing. Allele origin: germline. Affected: yes. Observed: 1 variant allele.
Comment: SPON2: BP4, BP7

NM_012445.4(SPON2):c.315G>T (p.Ala105=)

Gene: SPON2 (spondin 2; minus strand). Cytogenetic location: 4p16.3.
Variant type: single nucleotide variant.
Coding change: c.315G>T on transcript NM_012445.4 (MANE Select); coding-DNA position 315, G replaced by T.
Protein change: p.Ala105=; no amino-acid change (alanine 105 retained).
Molecular consequence: synonymous variant.
Genome position (GRCh38, 1-based): chr4:1,171,392, C>A on the plus strand (G>T on the coding strand, the complement: SPON2 is on the minus strand). VCF-style: chr4-1171392-C-A. GRCh37 (hg19) VCF-style: chr4-1165180-C-A.
Other names: c.315G>T, p.Ala105= (NM_001128325.3, NM_001199021.2).
Identifiers: ClinVar variation 2654545 (VCV002654545.24), dbSNP rs543108170, ClinGen allele CA2803945.
Genomic context (GRCh38, chr4:1,171,392, plus strand): 5'-CGAAAACACCGCGTGCACGCTCTGCAGCGCCTCCCCCGCCGCCTCGATCTCCTTCATCAG[C>A]GCCCAGGCCTCGCCGCGCTCCGCAAAGTCGCGCAGCCCGTTACTGACGTACTGGTTCTTC-3'
Protein context (NP_036577.2, residues 95-115): RDFAERGEAW[Ala105=]LMKEIEAAGE